The following is an entry in ClinVar:

ClinVar aggregate classification (germline): Uncertain significance. Review status: criteria provided, single submitter (1 of 4 stars). 2 submissions from 2 submitters: Uncertain significance (1). 1 of the submissions does not count toward it. Last evaluated 2025-12-24.

Conditions:
MYO18B-related disorder. Also called: MYO18B-related condition.

gnomAD v4.1: 9 of 1,598,472 alleles (0.00056%); highest among the groups gnomAD compares: African/African-American, 0.012%; no homozygotes.

Submissions (2):

Labcorp Genetics (formerly Invitae), Labcorp
Classification: Uncertain significance. Last evaluated: 2025-12-24. Review status: criteria provided, single submitter. Criteria: Invitae Variant Classification Sherloc (09022015). Collection method: clinical testing. Allele origin: germline.
Comment: This sequence change falls in intron 38 of the MYO18B gene. It does not directly change the encoded amino acid sequence of the MYO18B protein. It affects a nucleotide within the consensus splice site. This variant is present in population databases (rs370790464, gnomAD 0.02%). This variant has not been reported in the literature in individuals affected with MYO18B-related conditions. ClinVar contains an entry for this variant (Variation ID: 3354577). Variants that disrupt the consensus splice site are a relatively common cause of aberrant splicing (PMID: 17576681, 9536098). Algorithms developed to predict the effect of sequence changes on RNA splicing suggest that this variant is not likely to affect RNA splicing. In summary, the available evidence is currently insufficient to determine the role of this variant in disease. Therefore, it has been classified as a Variant of Uncertain Significance.

PreventionGenetics, part of Exact Sciences
Classification: Likely benign for MYO18B-related condition. Last evaluated: 2024-07-02. Review status: no assertion criteria provided. Collection method: clinical testing. Allele origin: germline. Not counted in ClinVar's aggregate classification.
Comment: This variant is classified as likely benign based on ACMG/AMP sequence variant interpretation guidelines (Richards et al. 2015 PMID: 25741868, with internal and published modifications).

Literature cited by the submitters: PubMed 17576681 (cited by Labcorp Genetics (formerly Invitae), Labcorp); PubMed 9536098 (cited by Labcorp Genetics (formerly Invitae), Labcorp).

NM_032608.7(MYO18B):c.5971-3C>A

Gene: MYO18B (myosin XVIIIB; plus strand). Cytogenetic location: 22q12.1.
Variant type: single nucleotide variant.
Coding change: c.5971-3C>A on transcript NM_032608.7 (MANE Select); 3 bases into the intron before coding-DNA position 5971, C replaced by A.
Molecular consequence: intron variant.
Genome position (GRCh38, 1-based): chr22:25,955,176, C>A. VCF-style: chr22-25955176-C-A. GRCh37 (hg19) VCF-style: chr22-26351142-C-A.
Other names: c.5974-3C>A (NM_001318245.2).
Identifiers: ClinVar variation 3354577 (VCV003354577.2).